The following is an entry in ClinVar:

NM_001134831.2(AHI1):c.1695_1696insG (p.His566fs)

Gene: AHI1 (Abelson helper integration site 1; minus strand). Cytogenetic location: 6q23.3.
Variant type: Insertion.
Coding change: c.1695_1696insG on transcript NM_001134831.2 (MANE Select); coding-DNA positions 1695 to 1696, G inserted.
Protein change: p.His566fs; shifts the reading frame from histidine 566.
Molecular consequence: frameshift variant.
Genome position: GRCh38 VCF-style: chr6-135447091-G-GC. GRCh37 (hg19) VCF-style: chr6-135768229-G-GC.
Other names: c.1695_1696insG, p.His566fs (NM_001134832.2, NM_001350503.2, NM_001350504.2 and 2 more transcripts); short protein forms H566fs.
Identifiers: ClinVar variation 4809957 (VCV004809957.1).

ClinVar aggregate classification (germline): Pathogenic (1 of 4 stars; one submission).

Conditions:
Joubert syndrome. Also called: Familial aplasia of the vermis; JOUBERT-BOLTSHAUSER SYNDROME; CEREBELLOPARENCHYMAL DISORDER IV. Identifiers: Orphanet 475, MedGen C5979921, MONDO:0018772.

Submission:

Labcorp Genetics (formerly Invitae), Labcorp
Classification: Pathogenic for Joubert syndrome. Last evaluated: 2026-01-17. Review status: criteria provided, single submitter. Criteria: Invitae Variant Classification Sherloc (09022015). Collection method: clinical testing. Allele origin: germline.
Comment: This sequence change creates a premature translational stop signal (p.His566Alafs*3) in the AHI1 gene. It is expected to result in an absent or disrupted protein product. Loss-of-function variants in AHI1 are known to be pathogenic (PMID: 15322546, 16453322, 28442542, 29186038). This variant is not present in population databases (gnomAD no frequency). This variant has not been reported in the literature in individuals affected with AHI1-related conditions. Algorithms developed to predict the effect of sequence changes on RNA splicing suggest that this variant may disrupt the consensus splice site. For these reasons, this variant has been classified as Pathogenic.

Literature cited by the submitters: PubMed 15322546; PubMed 16453322; PubMed 28442542; PubMed 29186038.